The following is an entry in ClinVar:

NM_000264.5(PTCH1):c.268C>G (p.Leu90Val)

Gene: PTCH1 (patched 1; minus strand). Cytogenetic location: 9q22.32.
Variant type: single nucleotide variant.
Coding change: c.268C>G on transcript NM_000264.5 (MANE Select); coding-DNA position 268, C replaced by G.
Protein change: p.Leu90Val; replaces leucine 90 with valine.
Molecular consequence: missense variant. On other transcripts: 5 prime UTR variant (4), non-coding transcript variant (1).
Genome position (GRCh38, 1-based): chr9:95,506,533, G>C on the plus strand (C>G on the coding strand, the complement: PTCH1 is on the minus strand). VCF-style: chr9-95506533-G-C. GRCh37 (hg19) VCF-style: chr9-98268815-G-C.
Other names: c.70C>G, p.Leu24Val (NM_001083602.3, NM_001354919.2); c.265C>G, p.Leu89Val (NM_001083603.3); c.-186C>G (NM_001083604.3, NM_001083605.3, NM_001083606.3 and 1 more transcripts); c.268C>G, p.Leu90Val (NM_001354918.2); short protein forms L90V, L24V, L89V.
Identifiers: ClinVar variation 3939967 (VCV003939967.1).

ClinVar aggregate classification (germline): Uncertain significance (1 of 4 stars; one submission).

Conditions:
Hereditary cancer-predisposing syndrome. Also called: Tumor predisposition; Hereditary neoplastic syndrome; Hereditary Cancer Syndrome; Neoplastic Syndromes, Hereditary. Identifiers: Orphanet 140162, MedGen C0027672, MeSH D009386, MONDO:0015356.

gnomAD v4.1: 1 of 1,613,546 alleles (0.000062%); highest among the groups gnomAD compares: Non-Finnish European, 0.000085%; no homozygotes.

Submission:

Ambry Genetics
Classification: Uncertain significance for Hereditary cancer-predisposing syndrome. Last evaluated: 2025-05-08. Review status: criteria provided, single submitter. Criteria: Ambry Variant Classification Scheme 2023. Collection method: clinical testing. Allele origin: germline.
Comment: The p.L90V variant (also known as c.268C>G), located in coding exon 2 of the PTCH1 gene, results from a C to G substitution at nucleotide position 268. The leucine at codon 90 is replaced by valine, an amino acid with highly similar properties. This amino acid position is conserved. In addition, this alteration is predicted to be deleterious by in silico analysis. Based on the available evidence, the clinical significance of this variant remains unclear.